The following is an entry in ClinVar:

NM_003280.3(TNNC1):c.183C>G (p.Ile61Met)

Gene: TNNC1 (troponin C1, slow skeletal and cardiac type; minus strand). Cytogenetic location: 3p21.1.
Variant type: single nucleotide variant.
Coding change: c.183C>G on transcript NM_003280.3 (MANE Select); coding-DNA position 183, C replaced by G.
Protein change: p.Ile61Met; replaces isoleucine 61 with methionine.
Molecular consequence: missense variant.
Genome position (GRCh38, 1-based): chr3:52,452,125, G>C on the plus strand (C>G on the coding strand, the complement: TNNC1 is on the minus strand). VCF-style: chr3-52452125-G-C. GRCh37 (hg19) VCF-style: chr3-52486141-G-C.
Other names: short protein forms I61M.
Identifiers: ClinVar variation 1715920 (VCV001715920.6), dbSNP rs764114178, ClinGen allele CA353168135.

ClinVar aggregate classification (germline): Uncertain significance. Review status: criteria provided, multiple submitters, no conflicts (2 of 4 stars). 2 submissions from 2 submitters: Uncertain significance (2). Last evaluated 2025-03-13.

Conditions:
Cardiovascular phenotype. Identifiers: MedGen CN230736.
Hypertrophic cardiomyopathy 13. Also called: TNNC1-Related Familial Hypertrophic Cardiomyopathy. Identifiers: MedGen C2750472, MONDO:0013195, OMIM 613243.
Dilated cardiomyopathy 1Z (CMD1Z). Identifiers: Orphanet 154, MedGen C2678475, MONDO:0012745, OMIM 611879.

Submissions (2):

Ambry Genetics
Classification: Uncertain significance for Cardiovascular phenotype. Last evaluated: 2025-03-13. Review status: criteria provided, single submitter. Criteria: Ambry Variant Classification Scheme 2023. Collection method: clinical testing. Allele origin: germline.
Comment: The p.I61M variant (also known as c.183C>G), located in coding exon 3 of the TNNC1 gene, results from a C to G substitution at nucleotide position 183. The isoleucine at codon 61 is replaced by methionine, an amino acid with highly similar properties. This amino acid position is conserved. In addition, the in silico prediction for this alteration is inconclusive. Based on the available evidence, the clinical significance of this variant remains unclear.

Labcorp Genetics (formerly Invitae), Labcorp
Classification: Uncertain significance for Hypertrophic cardiomyopathy 13; Dilated cardiomyopathy 1Z. Last evaluated: 2023-07-03. Review status: criteria provided, single submitter. Criteria: Invitae Variant Classification Sherloc (09022015). Collection method: clinical testing. Allele origin: germline.
Comment: ClinVar contains an entry for this variant (Variation ID: 1715920). An algorithm developed to predict the effect of missense changes on protein structure and function (PolyPhen-2) suggests that this variant is likely to be disruptive. In summary, the available evidence is currently insufficient to determine the role of this variant in disease. Therefore, it has been classified as a Variant of Uncertain Significance. This variant has not been reported in the literature in individuals affected with TNNC1-related conditions. This sequence change replaces isoleucine, which is neutral and non-polar, with methionine, which is neutral and non-polar, at codon 61 of the TNNC1 protein (p.Ile61Met). This variant is not present in population databases (gnomAD no frequency).